The following is an entry in ClinVar:

NM_001243279.3(ACSF3):c.1270del (p.Glu424fs)

Gene: ACSF3 (acyl-CoA synthetase family member 3; plus strand). Cytogenetic location: 16q24.3.
Variant type: Deletion.
Coding change: c.1270del on transcript NM_001243279.3 (MANE Select); coding-DNA position 1270, one base deleted (G; older notation c.1270delG).
Protein change: p.Glu424fs; shifts the reading frame from glutamic acid 424.
Molecular consequence: frameshift variant. On other transcripts: non-coding transcript variant (3).
Genome position (GRCh38, 1-based): chr16:89,133,166, G deleted; the last of 5 consecutive G bases (chr16:89,133,162-89,133,166); deleting any one gives the same sequence. VCF-style (leftmost placement, unchanged base first): chr16-89133161-AG-A. GRCh37 (hg19) VCF-style: chr16-89199569-AG-A.
Other names: c.1270del, p.Glu424fs (NM_001127214.4, NM_174917.5); c.475del, p.Glu159fs (NM_001284316.2); c.1270delG (NM_174917.4); short protein forms E159fs, E424fs.
Identifiers: ClinVar variation 1076675 (VCV001076675.10), dbSNP rs775794698, ClinGen allele CA8238090.

ClinVar aggregate classification (germline): Pathogenic/Likely pathogenic. Review status: criteria provided, multiple submitters, no conflicts (2 of 4 stars). 3 submissions from 3 submitters: Pathogenic (1); Likely pathogenic (2). Last evaluated 2024-02-22.

Conditions:
Combined malonic and methylmalonic acidemia. Identifiers: Orphanet 289504, MedGen C3280314, MONDO:0013661, OMIM 614265.

Submissions (3):

Natera, Inc.
Classification: Likely pathogenic for Combined malonic and methylmalonic aciduria. Last evaluated: 2024-02-22. Review status: criteria provided, single submitter. Criteria: Natera Variant Classification Schema (03/2026). Collection method: clinical testing. Allele origin: germline.
Comment: The c.1270delG variant in ACSF3 is a frameshift variant predicted to shift the reading frame beginning at codon 424 and leads to a stop codon 4 codons downstream. This variant is expected to result in nonsense mediated decay, truncation, or a dysfunctional protein product. This variant is rare in the general population with a frequency below the threshold expected for the associated phenotype(s). Given the available evidence, this variant is classified as Likely Pathogenic.

Baylor Genetics
Classification: Likely pathogenic for Combined malonic and methylmalonic acidemia. Last evaluated: 2023-12-16. Review status: criteria provided, single submitter. Criteria: ACMG Guidelines, 2015. Collection method: clinical testing. Allele origin: unknown.

Labcorp Genetics (formerly Invitae), Labcorp
Classification: Pathogenic for Combined malonic and methylmalonic acidemia. Last evaluated: 2023-08-11. Review status: criteria provided, single submitter. Criteria: Invitae Variant Classification Sherloc (09022015). Collection method: clinical testing. Allele origin: germline.
Comment: For these reasons, this variant has been classified as Pathogenic. ClinVar contains an entry for this variant (Variation ID: 1076675). This variant has not been reported in the literature in individuals affected with ACSF3-related conditions. This variant is not present in population databases (gnomAD no frequency). This sequence change creates a premature translational stop signal (p.Glu424Serfs*4) in the ACSF3 gene. It is expected to result in an absent or disrupted protein product. Loss-of-function variants in ACSF3 are known to be pathogenic (PMID: 21841779, 26827111).

Literature cited by the submitters: PubMed 21841779 (cited by Labcorp Genetics (formerly Invitae), Labcorp); PubMed 26827111 (cited by Labcorp Genetics (formerly Invitae), Labcorp).